The following is an entry in ClinVar:

NM_000732.6(CD3D):c.416C>T (p.Thr139Ile)

Gene: CD3D (CD3 delta subunit of T-cell receptor complex; minus strand). Cytogenetic location: 11q23.3.
Variant type: single nucleotide variant.
Coding change: c.416C>T on transcript NM_000732.6 (MANE Select); coding-DNA position 416, C replaced by T.
Protein change: p.Thr139Ile; replaces threonine 139 with isoleucine.
Molecular consequence: missense variant.
Genome position (GRCh38, 1-based): chr11:118,339,485, G>A on the plus strand (C>T on the coding strand, the complement: CD3D is on the minus strand). VCF-style: chr11-118339485-G-A. GRCh37 (hg19) VCF-style: chr11-118210200-G-A.
Other names: c.284C>T, p.Thr95Ile (NM_001040651.2); short protein forms T139I, T95I.
Identifiers: ClinVar variation 420806 (VCV000420806.8), dbSNP rs527584796, ClinGen allele CA6301884.

ClinVar aggregate classification (germline): Uncertain significance. Review status: criteria provided, multiple submitters, no conflicts (2 of 4 stars). 3 submissions from 3 submitters: Uncertain significance (3). Last evaluated 2025-08-07.

Conditions:
Immunodeficiency 19 (IMD19). Also called: CD3-DELTA DEFICIENCY; SEVERE COMBINED IMMUNODEFICIENCY, T CELL-NEGATIVE, B CELL-POSITIVE, NK CELL-POSITIVE; SCID, T CELL-NEGATIVE, B CELL-POSITIVE, NK CELL-POSITIVE; IMMUNODEFICIENCY 19, SEVERE COMBINED. Identifiers: MedGen C3810147, MONDO:0014280, OMIM 615617.
Inborn genetic diseases. Identifiers: MedGen C0950123, MeSH D030342.

Allele frequency attached by ClinVar (database versions not stated): ExAC 0.00003; TOPMed 0.00003; 1000 Genomes Project 30x 0.00031; gnomAD 0.00004 and 0.00005; gnomAD exomes 0.00004 and 0.00014; 1000 Genomes Project 0.00020.
gnomAD v4.1: 211 of 1,614,104 alleles (0.013%); highest among the groups gnomAD compares: Non-Finnish European, 0.017%; no homozygotes.

Submissions (3):

Ambry Genetics
Classification: Uncertain significance for Inborn genetic diseases. Last evaluated: 2025-08-07. Review status: criteria provided, single submitter. Criteria: Ambry Variant Classification Scheme 2023. Collection method: clinical testing. Allele origin: germline.

Labcorp Genetics (formerly Invitae), Labcorp
Classification: Uncertain significance for Immunodeficiency 19. Last evaluated: 2022-06-08. Review status: criteria provided, single submitter. Criteria: Invitae Variant Classification Sherloc (09022015). Collection method: clinical testing. Allele origin: germline.
Comment: This sequence change replaces threonine, which is neutral and polar, with isoleucine, which is neutral and non-polar, at codon 139 of the CD3D protein (p.Thr139Ile). This variant is present in population databases (rs527584796, gnomAD 0.009%). This variant has not been reported in the literature in individuals affected with CD3D-related conditions. ClinVar contains an entry for this variant (Variation ID: 420806). Algorithms developed to predict the effect of missense changes on protein structure and function output the following: SIFT: "Tolerated"; PolyPhen-2: "Benign"; Align-GVGD: "Class C0". The isoleucine amino acid residue is found in multiple mammalian species, which suggests that this missense change does not adversely affect protein function. In summary, the available evidence is currently insufficient to determine the role of this variant in disease. Therefore, it has been classified as a Variant of Uncertain Significance.

GeneDx
Classification: Uncertain significance. Last evaluated: 2016-03-31. Review status: criteria provided, single submitter. Criteria: GeneDx Variant Classification (06012015). Collection method: clinical testing. Allele origin: germline. Affected: yes.
Comment: The T139I variant in the CD3D gene has not been published as a pathogenic variant, nor has it been reported as a benign variant to our knowledge. The variant was not observed at any significant frequency in approximately 6,500 individuals of European and African American ancestry in the NHLBI Exome Sequencing Project, indicating it is not a common benign variant in these populations. T139I is a non-conservative amino acid substitution, which is likely to impact secondary protein structure as these residues differ in polarity, charge, size and/or other properties. However, this substitution occurs at a position that is not conserved, and in silico analysis predicts this variant likely does not alter the protein structure/function. Therefore, based on the currently available information, it is unclear whether this variant is a pathogenic variant or a rare benign variant.